The following is an entry in ClinVar:

ClinVar aggregate classification (germline): Conflicting classifications of pathogenicity. Review status: criteria provided, conflicting classifications (1 of 4 stars). 2 submissions from 2 submitters: Uncertain significance (1); Likely benign (1). Last evaluated 2025-05-16.

Conditions:
Hereditary cancer-predisposing syndrome. Also called: Hereditary Cancer Syndrome; Hereditary neoplastic syndrome; Neoplastic Syndromes, Hereditary; Tumor predisposition. Identifiers: Orphanet 140162, MedGen C0027672, MeSH D009386, MONDO:0015356.
Hereditary breast ovarian cancer syndrome. Also called: Hereditary breast and ovarian cancer; Breast and ovarian cancer; Hereditary breast and ovarian cancer syndrome; Hereditary breast and/or ovarian cancer syndrome; BRCA1- and BRCA2-Associated Hereditary Breast and Ovarian Cancer; Hereditary breast and ovarian cancer syndrome (HBOC). Identifiers: Orphanet 145, MedGen C0677776, MeSH D061325, MONDO:0003582. Disease mechanism: loss of function.

Submissions (2):

Ambry Genetics
Classification: Likely benign for Hereditary cancer-predisposing syndrome. Last evaluated: 2025-05-16. Review status: criteria provided, single submitter. Criteria: Ambry Variant Classification Scheme 2023. Collection method: clinical testing. Allele origin: germline.

Labcorp Genetics (formerly Invitae), Labcorp
Classification: Uncertain significance for Hereditary breast ovarian cancer syndrome. Last evaluated: 2024-11-15. Review status: criteria provided, single submitter. Criteria: Invitae Variant Classification Sherloc (09022015). Collection method: clinical testing. Allele origin: germline.
Comment: This sequence change replaces alanine, which is neutral and non-polar, with glycine, which is neutral and non-polar, at codon 3148 of the BRCA2 protein (p.Ala3148Gly). This variant is not present in population databases (gnomAD no frequency). This variant has not been reported in the literature in individuals affected with BRCA2-related conditions. ClinVar contains an entry for this variant (Variation ID: 441400). Invitae Evidence Modeling of protein sequence and biophysical properties (such as structural, functional, and spatial information, amino acid conservation, physicochemical variation, residue mobility, and thermodynamic stability) indicates that this missense variant is not expected to disrupt BRCA2 protein function with a negative predictive value of 95%. In summary, the available evidence is currently insufficient to determine the role of this variant in disease. Therefore, it has been classified as a Variant of Uncertain Significance.

NM_000059.4(BRCA2):c.9443C>G (p.Ala3148Gly)

Gene: BRCA2 (BRCA2 DNA repair associated; plus strand). Cytogenetic location: 13q13.1.
Variant type: single nucleotide variant.
Coding change: c.9443C>G on transcript NM_000059.4 (MANE Select); coding-DNA position 9443, C replaced by G.
Protein change: p.Ala3148Gly; replaces alanine 3148 with glycine.
Molecular consequence: missense variant.
Genome position (GRCh38, 1-based): chr13:32,394,875, C>G. VCF-style: chr13-32394875-C-G. GRCh37 (hg19) VCF-style: chr13-32969012-C-G.
Other names: short protein forms A3148G.
Identifiers: ClinVar variation 441400 (VCV000441400.8), dbSNP rs587781514, ClinGen allele CA387761599.
Genomic context (GRCh38, chr13:32,394,875, plus strand): 5'-GACCAGAATCCAAATCAGGCCTTCTTACTTTATTTGCTGGAGATTTTTCTGTGTTTTCTG[C>G]TAGTCCAAAAGAGGGCCACTTTCAAGAGACATTCAACAAAATGAAAAATACTGTTGAGGT-3'
Protein context (NP_000050.3, residues 3138-3158): LFAGDFSVFS[Ala3148Gly]SPKEGHFQET